The following is an entry in ClinVar:

ClinVar aggregate classification (germline): Uncertain significance (1 of 4 stars; one submission).

Conditions:
Cardiovascular phenotype. Identifiers: MedGen CN230736.

Submission:

Ambry Genetics
Classification: Uncertain significance for Cardiovascular phenotype. Last evaluated: 2023-12-04. Review status: criteria provided, single submitter. Criteria: Ambry Variant Classification Scheme 2023. Collection method: clinical testing. Allele origin: germline.
Comment: The p.S1937C variant (also known as c.5810C>G), located in coding exon 27 of the SCN10A gene, results from a C to G substitution at nucleotide position 5810. The serine at codon 1937 is replaced by cysteine, an amino acid with dissimilar properties. This amino acid position is conserved. In addition, the in silico prediction for this alteration is inconclusive. Since supporting evidence is limited at this time, the clinical significance of this alteration remains unclear.

NM_006514.4(SCN10A):c.5810C>G (p.Ser1937Cys)

Gene: SCN10A (sodium voltage-gated channel alpha subunit 10; minus strand). Cytogenetic location: 3p22.2.
Variant type: single nucleotide variant.
Coding change: c.5810C>G on transcript NM_006514.4 (MANE Select); coding-DNA position 5810, C replaced by G.
Protein change: p.Ser1937Cys; replaces serine 1937 with cysteine.
Molecular consequence: missense variant.
Genome position (GRCh38, 1-based): chr3:38,697,410, G>C on the plus strand (C>G on the coding strand, the complement: SCN10A is on the minus strand). VCF-style: chr3-38697410-G-C. GRCh37 (hg19) VCF-style: chr3-38738901-G-C.
Other names: c.5807C>G, p.Ser1936Cys (NM_001293306.2); c.5516C>G, p.Ser1839Cys (NM_001293307.2); short protein forms S1839C, S1936C, S1937C.
Identifiers: ClinVar variation 3225688 (VCV003225688.1), dbSNP rs2470548112, ClinGen allele CA352152306.
Genomic context (GRCh38, chr3:38,697,410, plus strand): 5'-TAGGGCCCAGGGGCAATCAGCTCCATACTGGTGGCTTCATCTTCATTTTGTATTGAGCTA[G>C]ATGTCCTCATGTTGACTCTATCACTAAGGCCTCTAGTGACACTCTCATAGGACGGTGGGA-3'
Protein context (NP_006505.4, residues 1927-1947): GLSDRVNMRT[Ser1937Cys]SSIQNEDEAT